The following is an entry in ClinVar:

ClinVar aggregate classification (germline): Benign (1 of 4 stars; one submission).

Allele frequency attached by ClinVar (database versions not stated): gnomAD exomes 0.00495; gnomAD 0.03286 and 0.03539; 1000 Genomes Project 0.03694; TOPMed 0.03809; 1000 Genomes Project 30x 0.03873.
gnomAD v4.1: 7,856 of 697,536 alleles (1.1%); highest among the groups gnomAD compares: African/African-American, 11%; 399 homozygotes.

Submission:

GeneDx
Classification: Benign. Last evaluated: 2018-06-18. Review status: criteria provided, single submitter. Criteria: GeneDx Variant Classification (06012015). Collection method: clinical testing. Allele origin: germline. Affected: yes.
Comment: This variant is considered likely benign or benign based on one or more of the following criteria: it is a conservative change, it occurs at a poorly conserved position in the protein, it is predicted to be benign by multiple in silico algorithms, and/or has population frequency not consistent with disease.

NM_004360.5(CDH1):c.1320+205C>T

Gene: CDH1 (cadherin 1; plus strand). Cytogenetic location: 16q22.1.
Variant type: single nucleotide variant.
Coding change: c.1320+205C>T on transcript NM_004360.5 (MANE Select); 205 bases into the intron after coding-DNA position 1320, C replaced by T.
Molecular consequence: intron variant.
Genome position (GRCh38, 1-based): chr16:68,813,700, C>T. VCF-style: chr16-68813700-C-T. GRCh37 (hg19) VCF-style: chr16-68847603-C-T.
Other names: c.-229+138C>T (NM_001317185.2); c.-500+205C>T (NM_001317186.2); c.1137+1437C>T (NM_001317184.2).
Identifiers: ClinVar variation 677753 (VCV000677753.1), dbSNP rs34821784, ClinGen allele CA283307455.